The following is an entry in ClinVar:

ClinVar aggregate classification (germline): Likely benign. Review status: criteria provided, multiple submitters, no conflicts (2 of 4 stars). 2 submissions from 2 submitters: Likely benign (2). Last evaluated 2025-10-29.

Conditions:
Familial temporal lobe epilepsy 7. Identifiers: Orphanet 101046, MedGen C4225327, MONDO:0014639, OMIM 616436.
Norman-Roberts syndrome (LIS2). Also called: Lissencephaly 2 (Norman-Roberts type). Identifiers: Orphanet 89844, MedGen C0796089, MONDO:0009760, OMIM 257320.

Allele frequency attached by ClinVar (database versions not stated): gnomAD exomes 0.00002; gnomAD 0.00003; ESP Exome Variant Server 0.00008.
gnomAD v4.1: 63 of 1,602,260 alleles (0.0039%); highest among the groups gnomAD compares: Admixed American, 0.01%; no homozygotes.

Submissions (2):

Labcorp Genetics (formerly Invitae), Labcorp
Classification: Likely benign for Familial temporal lobe epilepsy 7; Norman-Roberts syndrome. Last evaluated: 2025-10-29. Review status: criteria provided, single submitter. Criteria: Invitae Variant Classification Sherloc (09022015). Collection method: clinical testing. Allele origin: germline.

GeneDx
Classification: Likely benign. Last evaluated: 2017-06-09. Review status: criteria provided, single submitter. Criteria: GeneDx Variant Classification (06012015). Collection method: clinical testing. Allele origin: germline. Affected: yes.
Comment: This variant is considered likely benign or benign based on one or more of the following criteria: it is a conservative change, it occurs at a poorly conserved position in the protein, it is predicted to be benign by multiple in silico algorithms, and/or has population frequency not consistent with disease.

NM_005045.4(RELN):c.5529+10A>T

Gene: RELN (reelin; minus strand). Cytogenetic location: 7q22.1.
Variant type: single nucleotide variant.
Coding change: c.5529+10A>T on transcript NM_005045.4 (MANE Select); 10 bases into the intron after coding-DNA position 5529, A replaced by T.
Molecular consequence: intron variant.
Genome position (GRCh38, 1-based): chr7:103,561,522, T>A on the plus strand (A>T on the coding strand, the complement: RELN is on the minus strand). VCF-style: chr7-103561522-T-A. GRCh37 (hg19) VCF-style: chr7-103201969-T-A.
Other names: c.5529+10A>T (NM_173054.3).
Identifiers: ClinVar variation 510053 (VCV000510053.8), dbSNP rs371510474, ClinGen allele CA163910069.